The following is an entry in ClinVar:

NM_001253697.2(ERBIN):c.3790C>T (p.Leu1264Phe)

Gene: ERBIN (erbb2 interacting protein; plus strand). Cytogenetic location: 5q12.3.
Variant type: single nucleotide variant.
Coding change: c.3790C>T on transcript NM_001253697.2 (MANE Select); coding-DNA position 3790, C replaced by T.
Protein change: p.Leu1264Phe; replaces leucine 1264 with phenylalanine.
Molecular consequence: missense variant. On other transcripts: intron variant (1).
Genome position (GRCh38, 1-based): chr5:66,075,057, C>T. VCF-style: chr5-66075057-C-T. GRCh37 (hg19) VCF-style: chr5-65370885-C-T.
Other names: c.3667C>T, p.Leu1223Phe (NM_001253698.2, NM_018695.4); c.3811C>T, p.Leu1271Phe (NM_001253699.2); c.3655C>T, p.Leu1219Phe (NM_001253701.2); c.3634-1259C>T (NM_001006600.3); short protein forms L1223F, L1219F, L1264F, L1271F.
Identifiers: ClinVar variation 1494771 (VCV001494771.8), dbSNP rs2151306414, ClinGen allele CA359870973.

ClinVar aggregate classification (germline): Uncertain significance (1 of 4 stars; one submission).

Submission:

Labcorp Genetics (formerly Invitae), Labcorp
Classification: Uncertain significance. Last evaluated: 2021-01-08. Review status: criteria provided, single submitter. Criteria: Invitae Variant Classification Sherloc (09022015). Collection method: clinical testing. Allele origin: germline.
Comment: This variant has not been reported in the literature in individuals with ERBIN-related conditions. This sequence change replaces leucine with phenylalanine at codon 1264 of the ERBIN protein (p.Leu1264Phe). The leucine residue is moderately conserved and there is a small physicochemical difference between leucine and phenylalanine. This variant is not present in population databases (ExAC no frequency). Algorithms developed to predict the effect of missense changes on protein structure and function (SIFT, PolyPhen-2, Align-GVGD) all suggest that this variant is likely to be tolerated, but these predictions have not been confirmed by published functional studies and their clinical significance is uncertain. In summary, the available evidence is currently insufficient to determine the role of this variant in disease. Therefore, it has been classified as a Variant of Uncertain Significance.